The following is an entry in ClinVar:

NM_003098.3(SNTA1):c.1238-3C>T

Gene: SNTA1 (syntrophin alpha 1; minus strand). Cytogenetic location: 20q11.21.
Variant type: single nucleotide variant.
Coding change: c.1238-3C>T on transcript NM_003098.3 (MANE Select); 3 bases into the intron before coding-DNA position 1238, C replaced by T.
Molecular consequence: intron variant.
Genome position (GRCh38, 1-based): chr20:33,408,891, G>A on the plus strand (C>T on the coding strand, the complement: SNTA1 is on the minus strand). VCF-style: chr20-33408891-G-A. GRCh37 (hg19) VCF-style: chr20-31996697-G-A.
Identifiers: ClinVar variation 844802 (VCV000844802.9), dbSNP rs1366644642, ClinGen allele CA635719590.
Genomic context (GRCh38, chr20:33,408,891, plus strand): 5'-GTGAAGCCCTTGTCGATGTGCACAGACAGGCTGCAGGGACGCCCATTCCACGTGCAGGCT[G>A]CAGGGAGGGCACATAGGTACAGGCACAGCTGGCACCTCAGAGACTACACCCCAACCTCCA-3'

ClinVar aggregate classification (germline): Uncertain significance (1 of 4 stars; one submission).

Conditions:
Long QT syndrome (LQTS). Identifiers: MedGen C0023976, MeSH D008133, MONDO:0002442. Disease mechanism: loss of function. Inheritance: Various modes of inheritance.

Allele frequency attached by ClinVar (database versions not stated): gnomAD exomes below 0.00001; TOPMed below 0.00001; gnomAD 0.00001.

Submission:

Labcorp Genetics (formerly Invitae), Labcorp
Classification: Uncertain significance for Long QT syndrome. Last evaluated: 2023-05-19. Review status: criteria provided, single submitter. Criteria: Invitae Variant Classification Sherloc (09022015). Collection method: clinical testing. Allele origin: germline.
Comment: In summary, the available evidence is currently insufficient to determine the role of this variant in disease. Therefore, it has been classified as a Variant of Uncertain Significance. Variants that disrupt the consensus splice site are a relatively common cause of aberrant splicing (PMID: 17576681, 9536098). Algorithms developed to predict the effect of sequence changes on RNA splicing suggest that this variant is not likely to affect RNA splicing. ClinVar contains an entry for this variant (Variation ID: 844802). This variant has not been reported in the literature in individuals affected with SNTA1-related conditions. The frequency data for this variant in the population databases is considered unreliable, as metrics indicate poor data quality at this position in the gnomAD database. This sequence change falls in intron 6 of the SNTA1 gene. It does not directly change the encoded amino acid sequence of the SNTA1 protein. It affects a nucleotide within the consensus splice site.

Literature cited by the submitters: PubMed 17576681; PubMed 9536098.